The following is an entry in ClinVar:

NM_182746.3(MCM4):c.2533C>T (p.Arg845Cys)

Gene: MCM4 (minichromosome maintenance complex component 4; plus strand). Cytogenetic location: 8q11.21.
Variant type: single nucleotide variant.
Coding change: c.2533C>T on transcript NM_182746.3 (MANE Select); coding-DNA position 2533, C replaced by T.
Protein change: p.Arg845Cys; replaces arginine 845 with cysteine.
Molecular consequence: missense variant.
Genome position (GRCh38, 1-based): chr8:47,976,719, C>T. VCF-style: chr8-47976719-C-T. GRCh37 (hg19) VCF-style: chr8-48889279-C-T.
Other names: c.2533C>T, p.Arg845Cys (NM_005914.4); c.2533C>T (NM_005914.3); short protein forms R845C.
Identifiers: ClinVar variation 1365885 (VCV001365885.4), dbSNP rs762871719, ClinGen allele CA4742955.

ClinVar aggregate classification (germline): Uncertain significance. Review status: criteria provided, multiple submitters, no conflicts (2 of 4 stars). 2 submissions from 2 submitters: Uncertain significance (2). Last evaluated 2024-04-26.

Allele frequency attached by ClinVar (database versions not stated): gnomAD exomes below 0.00001 and 0.00001; TOPMed below 0.00001; ExAC 0.00001; gnomAD 0.00001.
gnomAD v4.1: 11 of 1,613,252 alleles (0.00068%); highest among the groups gnomAD compares: South Asian, 0.0022%; no homozygotes.

Submissions (2):

Ambry Genetics
Classification: Uncertain significance. Last evaluated: 2024-04-26. Review status: criteria provided, single submitter. Criteria: Ambry Variant Classification Scheme 2023. Collection method: clinical testing. Allele origin: germline.

Labcorp Genetics (formerly Invitae), Labcorp
Classification: Uncertain significance. Last evaluated: 2021-08-08. Review status: criteria provided, single submitter. Criteria: Invitae Variant Classification Sherloc (09022015). Collection method: clinical testing. Allele origin: germline.
Comment: This sequence change replaces arginine with cysteine at codon 845 of the MCM4 protein (p.Arg845Cys). The arginine residue is moderately conserved and there is a large physicochemical difference between arginine and cysteine. This variant is present in population databases (rs762871719, ExAC 0.009%). This variant has not been reported in the literature in individuals affected with MCM4-related conditions. Algorithms developed to predict the effect of missense changes on protein structure and function are either unavailable or do not agree on the potential impact of this missense change (SIFT: "Deleterious"; PolyPhen-2: "Possibly Damaging"; Align-GVGD: "Class C15"). In summary, the available evidence is currently insufficient to determine the role of this variant in disease. Therefore, it has been classified as a Variant of Uncertain Significance.